The following is an entry in ClinVar:

ClinVar aggregate classification (germline): Uncertain significance (1 of 4 stars; one submission).

Submission:

Labcorp Genetics (formerly Invitae), Labcorp
Classification: Uncertain significance. Last evaluated: 2020-01-30. Review status: criteria provided, single submitter. Criteria: Invitae Variant Classification Sherloc (09022015). Collection method: clinical testing. Allele origin: germline.
Comment: In summary, the available evidence is currently insufficient to determine the role of this variant in disease. Therefore, it has been classified as a Variant of Uncertain Significance. Algorithms developed to predict the effect of sequence changes on RNA splicing suggest that this variant may create or strengthen a splice site, but this prediction has not been confirmed by published transcriptional studies. Algorithms developed to predict the effect of missense changes on protein structure and function (SIFT, PolyPhen-2, Align-GVGD) all suggest that this variant is likely to be disruptive, but these predictions have not been confirmed by published functional studies and their clinical significance is uncertain. This variant has not been reported in the literature in individuals with ICK-related conditions. This variant is not present in population databases (ExAC no frequency). This sequence change replaces lysine with glutamic acid at codon 55 of the ICK protein (p.Lys55Glu). The lysine residue is highly conserved and there is a small physicochemical difference between lysine and glutamic acid.

NM_014920.5(CILK1):c.163A>G (p.Lys55Glu)

Gene: CILK1 (ciliogenesis associated kinase 1; minus strand). Cytogenetic location: 6p12.1.
Variant type: single nucleotide variant.
Coding change: c.163A>G on transcript NM_014920.5 (MANE Select); coding-DNA position 163, A replaced by G.
Protein change: p.Lys55Glu; replaces lysine 55 with glutamic acid.
Molecular consequence: missense variant. On other transcripts: non-coding transcript variant (1).
Genome position (GRCh38, 1-based): chr6:53,032,648, T>C on the plus strand (A>G on the coding strand, the complement: CILK1 is on the minus strand). VCF-style: chr6-53032648-T-C. GRCh37 (hg19) VCF-style: chr6-52897446-T-C.
Other names: c.163A>G, p.Lys55Glu (NM_001375397.1, NM_001375398.1, NM_001375399.1 and 4 more transcripts); short protein forms K55E.
Identifiers: ClinVar variation 1000505 (VCV001000505.9), dbSNP rs1562027032, ClinGen allele CA364476330.